The following is an entry in ClinVar:

NM_177438.3(DICER1):c.1273G>A (p.Glu425Lys)

Gene: DICER1 (dicer 1, ribonuclease III; minus strand). Cytogenetic location: 14q32.13.
Variant type: single nucleotide variant.
Coding change: c.1273G>A on transcript NM_177438.3 (MANE Select); coding-DNA position 1273, G replaced by A.
Protein change: p.Glu425Lys; replaces glutamic acid 425 with lysine.
Molecular consequence: missense variant.
Genome position (GRCh38, 1-based): chr14:95,124,299, C>T on the plus strand (G>A on the coding strand, the complement: DICER1 is on the minus strand). VCF-style: chr14-95124299-C-T. GRCh37 (hg19) VCF-style: chr14-95590636-C-T.
Other names: c.1273G>A, p.Glu425Lys (NM_001195573.1, NM_001271282.3, NM_001291628.2 and 1 more transcripts); short protein forms E425K.
Identifiers: ClinVar variation 965413 (VCV000965413.11), dbSNP rs1435715607, ClinGen allele CA390886371.

ClinVar aggregate classification (germline): Uncertain significance (1 of 4 stars; one submission).

Conditions:
DICER1-related tumor predisposition. Also called: DICER1-related pleuropulmonary blastoma cancer predisposition syndrome; DICER1 syndrome. Identifiers: Orphanet 284343, MedGen C3839822, MONDO:0100216.

Allele frequency attached by ClinVar (database versions not stated): gnomAD exomes below 0.00001.
gnomAD v4.1: 2 of 1,613,956 alleles (0.00012%); highest among the groups gnomAD compares: Non-Finnish European, 0.00017%; no homozygotes.

Submission:

Labcorp Genetics (formerly Invitae), Labcorp
Classification: Uncertain significance for DICER1-related tumor predisposition. Last evaluated: 2019-11-11. Review status: criteria provided, single submitter. Criteria: Invitae Variant Classification Sherloc (09022015). Collection method: clinical testing. Allele origin: germline.
Comment: This variant has not been reported in the literature in individuals with DICER1-related conditions. This variant is not present in population databases (ExAC no frequency). This sequence change replaces glutamic acid with lysine at codon 425 of the DICER1 protein (p.Glu425Lys). The glutamic acid residue is highly conserved and there is a small physicochemical difference between glutamic acid and lysine. Algorithms developed to predict the effect of missense changes on protein structure and function are either unavailable or do not agree on the potential impact of this missense change (SIFT: "Tolerated"; PolyPhen-2: "Possibly Damaging"; Align-GVGD: "Class C15"). In summary, the available evidence is currently insufficient to determine the role of this variant in disease. Therefore, it has been classified as a Variant of Uncertain Significance.